The following is an entry in ClinVar:

ClinVar aggregate classification (germline): Uncertain significance (1 of 4 stars; one submission).

Conditions:
Atypical hemolytic-uremic syndrome. Identifiers: Orphanet 2134, MedGen C2931788, MONDO:0016244.

gnomAD v4.1: 1 of 1,539,650 alleles (0.000065%); highest among the groups gnomAD compares: East Asian, 0.0022%; no homozygotes.

Submission:

Genomenon, Inc
Classification: Uncertain significance for Atypical hemolytic-uremic syndrome. Last evaluated: 2025-09-26. Review status: criteria provided, single submitter. Criteria: Genomenon Sequence Variant Interpretation Standards - Updated. Collection method: curation. Allele origin: germline. Affected: yes.
Comment: CFI p.Ser221Cys (c.662C>G) is a missense variant that changes the amino acid at residue 221 from Serine to Cysteine. This variant has been observed in at least one proband affected with atypical hemolytic-uremic syndrome (PMID:33614676). Functional studies have been reported; however, the significance of the findings remain unclear (PMID:33614676). The presence of pathogenic/likely pathogenic missense variant(s) at the same amino acid position indicates that this residue is likely important for protein function. It is absent or not present at a significant frequency in gnomAD. In silico models agree that this variant is not damaging. In conclusion, we classify CFI p.Ser221Cys (c.662C>G) as a variant of unknown significance.

Literature cited by the submitters: PubMed 33614676.

NM_000204.5(CFI):c.662C>G (p.Ser221Cys)

Gene: CFI (complement factor I; minus strand). Cytogenetic location: 4q25.
Variant type: single nucleotide variant.
Coding change: c.662C>G on transcript NM_000204.5 (MANE Select); coding-DNA position 662, C replaced by G.
Protein change: p.Ser221Cys; replaces serine 221 with cysteine.
Molecular consequence: missense variant. On other transcripts: non-coding transcript variant (3).
Genome position (GRCh38, 1-based): chr4:109,760,633, G>C on the plus strand (C>G on the coding strand, the complement: CFI is on the minus strand). VCF-style: chr4-109760633-G-C. GRCh37 (hg19) VCF-style: chr4-110681789-G-C.
Other names: c.53C>G, p.Ser18Cys (NM_001375284.1); c.662C>G, p.Ser221Cys (NM_001440985.1, NM_001440986.1, NM_001440988.1 and 10 more transcripts); short protein forms S18C, S221C.
Identifiers: ClinVar variation 4280542 (VCV004280542.1).